The following is an entry in ClinVar:

ClinVar aggregate classification (germline): Uncertain significance (1 of 4 stars; one submission).

Conditions:
Ullrich congenital muscular dystrophy 2 (UCMD2). Identifiers: Orphanet 75840, MedGen C4225314, MONDO:0014654, OMIM 616470.
Bethlem myopathy 2 (BTHLM2). Identifiers: Orphanet 536516, Orphanet 610, MedGen C4225313, MONDO:0034022, OMIM 616471.

Submission:

Labcorp Genetics (formerly Invitae), Labcorp
Classification: Uncertain significance for Bethlem myopathy 2; Ullrich congenital muscular dystrophy 2. Last evaluated: 2024-03-31. Review status: criteria provided, single submitter. Criteria: Invitae Variant Classification Sherloc (09022015). Collection method: clinical testing. Allele origin: germline.
Comment: This sequence change replaces glycine, which is neutral and non-polar, with glutamic acid, which is acidic and polar, at codon 3036 of the COL12A1 protein (p.Gly3036Glu). This variant is not present in population databases (gnomAD no frequency). This variant has not been reported in the literature in individuals affected with COL12A1-related conditions. An algorithm developed to predict the effect of missense changes on protein structure and function (PolyPhen-2) suggests that this variant is likely to be disruptive. In summary, the available evidence is currently insufficient to determine the role of this variant in disease. Therefore, it has been classified as a Variant of Uncertain Significance.

NM_004370.6(COL12A1):c.9107G>A (p.Gly3036Glu)

Gene: COL12A1 (collagen type XII alpha 1 chain; minus strand). Cytogenetic location: 6q13.
Variant type: single nucleotide variant.
Coding change: c.9107G>A on transcript NM_004370.6 (MANE Select); coding-DNA position 9107, G replaced by A.
Protein change: p.Gly3036Glu; replaces glycine 3036 with glutamic acid.
Molecular consequence: missense variant.
Genome position (GRCh38, 1-based): chr6:75,087,651, C>T on the plus strand (G>A on the coding strand, the complement: COL12A1 is on the minus strand). VCF-style: chr6-75087651-C-T. GRCh37 (hg19) VCF-style: chr6-75797367-C-T.
Other names: c.9107G>A, p.Gly3036Glu (NM_001424113.1); c.9086G>A, p.Gly3029Glu (NM_001424114.1); c.8834G>A, p.Gly2945Glu (NM_001424115.1); c.5615G>A, p.Gly1872Glu (NM_001424116.1, NM_080645.3); short protein forms G3036E, G1872E, G2945E, G3029E.
Identifiers: ClinVar variation 2922298 (VCV002922298.3), dbSNP rs2533014825, ClinGen allele CA364732863.